The following is an entry in ClinVar:

ClinVar aggregate classification (germline): Uncertain significance (1 of 4 stars; one submission).

Submission:

GeneDx
Classification: Uncertain significance. Last evaluated: 2025-06-15. Review status: criteria provided, single submitter. Criteria: GeneDx Variant Classification Process June 2021. Collection method: clinical testing. Allele origin: germline. Affected: yes.
Comment: Not observed at significant frequency in large population cohorts (gnomAD); In silico analysis suggests that this missense variant does not alter protein structure/function; Has not been previously published as pathogenic or benign to our knowledge

NM_000312.4(PROC):c.699G>C (p.Lys233Asn)

Gene: PROC (protein C, inactivator of coagulation factors Va and VIIIa; plus strand). Cytogenetic location: 2q14.3.
Variant type: single nucleotide variant.
Coding change: c.699G>C on transcript NM_000312.4 (MANE Select); coding-DNA position 699, G replaced by C.
Protein change: p.Lys233Asn; replaces lysine 233 with asparagine.
Molecular consequence: missense variant.
Genome position (GRCh38, 1-based): chr2:127,427,125, G>C. VCF-style: chr2-127427125-G-C. GRCh37 (hg19) VCF-style: chr2-128184701-G-C.
Other names: c.882G>C, p.Lys294Asn (NM_001375602.1); c.864G>C, p.Lys288Asn (NM_001375603.1); c.762G>C, p.Lys254Asn (NM_001375604.1); c.801G>C, p.Lys267Asn (NM_001375605.1); c.867G>C, p.Lys289Asn (NM_001375606.1); c.885G>C, p.Lys295Asn (NM_001375607.1); c.642G>C, p.Lys214Asn (NM_001375608.1); c.675G>C, p.Lys225Asn (NM_001375609.1); and 2 more; short protein forms K214N, K225N, K231N, K233N, K254N, K267N, K288N, K289N.
Identifiers: ClinVar variation 4537818 (VCV004537818.1).
Genomic context (GRCh38, chr2:127,427,125, plus strand): 5'-GGAGGCAGCCCTGTGATGTCATCATCCCACCCCATTCCAGGTGGTCCTGCTGGACTCAAA[G>C]AAGAAGCTGGCCTGCGGGGCAGTGCTCATCCACCCCTCCTGGGTGCTGACAGCGGCCCAC-3'
Protein context (NP_000303.1, residues 223-243): SPWQVVLLDS[Lys233Asn]KKLACGAVLI